The following is an entry in ClinVar:

NM_058216.3(RAD51C):c.1A>G (p.Met1Val)

Gene: RAD51C (RAD51 paralog C; plus strand). Cytogenetic location: 17q22.
Variant type: single nucleotide variant.
Coding change: c.1A>G on transcript NM_058216.3 (MANE Select); coding-DNA position 1, A replaced by G.
Protein change: p.Met1Val; changes the start codon (methionine 1).
Molecular consequence: missense variant, initiator codon variant. On other transcripts: non-coding transcript variant (2).
Genome position (GRCh38, 1-based): chr17:58,692,644, A>G. VCF-style: chr17-58692644-A-G. GRCh37 (hg19) VCF-style: chr17-56770005-A-G.
Other names: c.1A>G, p.Met1Val (NM_002876.4); short protein forms M1V.
Identifiers: ClinVar variation 820479 (VCV000820479.37), dbSNP rs921435798, ClinGen allele CA292046776.

ClinVar aggregate classification (germline): Uncertain significance. Review status: criteria provided, multiple submitters, no conflicts (2 of 4 stars). 4 submissions from 4 submitters: Uncertain significance (3). 1 of the submissions does not count toward it. Last evaluated 2025-12-13.

Conditions:
Hereditary cancer-predisposing syndrome. Also called: Neoplastic Syndromes, Hereditary; Hereditary Cancer Syndrome; Hereditary neoplastic syndrome; Tumor predisposition. Identifiers: Orphanet 140162, MedGen C0027672, MeSH D009386, MONDO:0015356.
Fanconi anemia complementation group O. Also called: RAD51C-Related Fanconi Anemia. Identifiers: Orphanet 84, MedGen C3150653, MONDO:0013248, OMIM 613390.
Gastric cancer. Also called: Stomach cancer; Malignant tumor of stomach. Identifiers: MedGen C0024623, MeSH D013274, MONDO:0001056, OMIM 613659, HP:0012126.

Allele frequency attached by ClinVar (database versions not stated): TOPMed below 0.00001; gnomAD 0.00001.

Submissions (4):

Labcorp Genetics (formerly Invitae), Labcorp
Classification: Uncertain significance for Fanconi anemia complementation group O. Last evaluated: 2025-12-13. Review status: criteria provided, single submitter. Criteria: Invitae Variant Classification Sherloc (09022015). Collection method: clinical testing. Allele origin: germline.
Comment: This sequence change affects the initiator codon of the RAD51C mRNA. This change may impact translation initiation or efficiency. The next in-frame methionine is located at codon 10. This variant is not present in population databases (gnomAD no frequency). This variant has not been reported in the literature in individuals affected with RAD51C-related conditions. ClinVar contains an entry for this variant (Variation ID: 820479). In summary, the available evidence is currently insufficient to determine the role of this variant in disease. Therefore, it has been classified as a Variant of Uncertain Significance.

Color Diagnostics, LLC DBA Color Health
Classification: Uncertain significance for Hereditary cancer-predisposing syndrome. Last evaluated: 2025-02-19. Review status: criteria provided, single submitter. Criteria: ACMG Guidelines, 2015. Collection method: clinical testing. Allele origin: germline.
Comment: This variant results in the loss of the translation initiator methionine at codon 1 of the RAD51C gene. However, a methionine at codon 10 may serve as an alternative translation start site before the first known functional domain. Functional studies suggest that RAD51C protein that use the methionine at position 10 as the translation start codon can function similarly to the wild-type protein (PMID: 12966089, 38330859). This variant has not been reported in individuals affected with hereditary cancer in the literature. This variant has not been identified in the general population by the Genome Aggregation Database (gnomAD). The available evidence is insufficient to determine the role of this variant in disease conclusively. Therefore, this variant is classified as a Variant of Uncertain Significance.

Ambry Genetics
Classification: Uncertain significance for Hereditary cancer-predisposing syndrome. Last evaluated: 2023-05-02. Review status: criteria provided, single submitter. Criteria: Ambry Variant Classification Scheme 2023. Collection method: clinical testing. Allele origin: germline.
Comment: The p.M1? variant (also known as c.1A>G) is located in coding exon 1 of the RAD51C gene and results from a A to G substitution at nucleotide position 1. This alters the methionine residue at the initiation codon (ATG). Variations that modify the initiation codon (ATG) are expected to result in either loss of translation initiation, N-terminal truncation, or cause a shift in the mRNA reading frame; however, there is an in-frame methionine 9 amino acids from the initiation site, which may result in N-terminal truncation of unknown functional significance. Since supporting evidence is limited at this time, the clinical significance of this alteration remains unclear.

Laboratory for Genotyping Development, RIKEN
Classification: Pathogenic for Gastric cancer. Last evaluated: 2021-07-01. Review status: no assertion criteria provided. Collection method: research. Allele origin: germline. Not counted in ClinVar's aggregate classification.

Literature cited by the submitters: PubMed 12966089 (cited by Color Diagnostics, LLC DBA Color Health); PubMed 38330859 (cited by Color Diagnostics, LLC DBA Color Health); PubMed 36988593 (cited by Laboratory for Genotyping Development, RIKEN).